The following is an entry in ClinVar:

ClinVar aggregate classification (germline): Pathogenic (1 of 4 stars; one submission).

Conditions:
Hereditary breast ovarian cancer syndrome. Also called: Hereditary breast and ovarian cancer syndrome (HBOC); Hereditary breast and/or ovarian cancer syndrome; BRCA1- and BRCA2-Associated Hereditary Breast and Ovarian Cancer; Hereditary breast and ovarian cancer syndrome; Hereditary breast and ovarian cancer; Breast and ovarian cancer. Identifiers: Orphanet 145, MedGen C0677776, MeSH D061325, MONDO:0003582. Disease mechanism: loss of function.

Submission:

Labcorp Genetics (formerly Invitae), Labcorp
Classification: Pathogenic for Hereditary breast ovarian cancer syndrome. Last evaluated: 2015-12-19. Review status: criteria provided, single submitter. Criteria: Invitae Variant Classification Sherloc (09022015). Collection method: clinical testing. Allele origin: germline.
Comment: This variant is a gross deletion of the genomic region encompassing exons 1-9 of the BRCA2 gene, which includes the initiator codon. The 3' boundary is likely confined to the intronic region between exons 9 and 10; the 5' end of this event is unknown as it extends beyond the assayed region for this gene and therefore may encompass additional genes. This deletion removes the canonical translation initiation codon from the BRCA2 mRNA. It is therefore predicted to result in an absent protein product. In addition, four different variants involving the canonical initiation codon (c.2T>A, c.2T>C, c.2T>G, c.3G>A) in exon 2 have been reported in patients with hereditary breast and/or ovarian cancer (PMID: 24607278, 24156927, 14647210, 18182601), indicating that this start site is critical for translation of a functional BRCA2 protein. Both larger deletions encompassing exons 1-9 and smaller deletions within BRCA2 that include the initiator codon have been reported in individuals with breast and/or ovarian cancer (PMID: 22544547). For these reasons, this variant has been classified as Pathogenic.

NM_000059.3(BRCA2):c.-39-?_793+?del

Gene: BRCA2 (BRCA2 DNA repair associated; plus strand).
Variant type: Deletion.
Coding change: c.-39-?_793+?del on transcript NM_000059.3.
Other names: c.-39-?_793+?del (LRG_293t1).
Identifiers: ClinVar variation 254040 (VCV000254040.1).